The following is an entry in ClinVar:

ClinVar aggregate classification (germline): Pathogenic/Likely pathogenic. Review status: criteria provided, multiple submitters, no conflicts (2 of 4 stars). 2 submissions from 2 submitters: Pathogenic (1); Likely pathogenic (1). Last evaluated 2025-02-13.

Conditions:
Intellectual developmental disorder, autosomal dominant 51. Also called: Intellectual disability, autosomal dominant 51; MENTAL RETARDATION, AUTOSOMAL DOMINANT 51. Identifiers: Orphanet 684226, MedGen C4540474, MONDO:0030917, OMIM 617788.

Allele frequency attached by ClinVar (database versions not stated): TOPMed below 0.00001.

Submissions (2):

GeneDx
Classification: Pathogenic. Last evaluated: 2025-02-13. Review status: criteria provided, single submitter. Criteria: GeneDx Variant Classification Process June 2021. Collection method: clinical testing. Allele origin: germline. Affected: yes.
Comment: Identified in a patient with macrocephaly, global developmental delay, atrial septal defect, poor feeding at birth, and hypermobile joints in published literature (PMID: 36897941); Nonsense variant predicted to result in protein truncation, as the last 103 amino acid(s) are lost, and other loss-of-function variants have been reported downstream in HGMD; Not observed at significant frequency in large population cohorts (gnomAD); This variant is associated with the following publications: (PMID: 28191890, 25363760, 31332282, 28714951, 31981491, 31785789, 35982160, 35982159, 35331928, 27824329, 36897941)

HUSP Clinical Genetics Laboratory, Hospital Universitario San Pedro De Logroño (HUSP)
Classification: Likely pathogenic for Intellectual developmental disorder, autosomal dominant 51. Review status: criteria provided, single submitter. Criteria: ACMG Guidelines, 2015. Collection method: clinical testing. Allele origin: de novo. Inheritance: Autosomal dominant inheritance. Affected: yes. Observed: 1 variant allele.
Comment: The c.2347C>T variant in KMT5B (NM_017635.5) causes a premature stop codon. This variant has not been reported previously in the literature and it is not detected in general population. Pathogenic variants in the KMT5B gene have been associated with the following phenotype: intellectual developmental disorder (OMIM: 617788), with autosomal dominant inheritance.

NM_017635.5(KMT5B):c.2347C>T (p.Arg783Ter)

Gene: KMT5B (lysine methyltransferase 5B; minus strand). Cytogenetic location: 11q13.2.
Variant type: single nucleotide variant.
Coding change: c.2347C>T on transcript NM_017635.5 (MANE Select); coding-DNA position 2347, C replaced by T.
Protein change: p.Arg783Ter; replaces arginine 783 with a stop codon.
Molecular consequence: nonsense.
Genome position (GRCh38, 1-based): chr11:68,157,999, G>A on the plus strand (C>T on the coding strand, the complement: KMT5B is on the minus strand). VCF-style: chr11-68157999-G-A. GRCh37 (hg19) VCF-style: chr11-67925466-G-A.
Other names: c.2347C>T (NM_017635.3); c.1831C>T, p.Arg611Ter (NM_001300907.1, NM_001369428.1, NM_001369429.1 and 4 more transcripts); c.1627C>T, p.Arg543Ter (NM_001300908.2); c.2347C>T, p.Arg783Ter (NM_001369426.1); short protein forms R543*, R611*, R783*.
Identifiers: ClinVar variation 2575087 (VCV002575087.2), dbSNP rs1859424641, ClinGen allele CA381587874.